The following is an entry in ClinVar:

NM_000298.6(PKLR):c.1049T>C (p.Phe350Ser)

Gene: PKLR (pyruvate kinase L/R; minus strand). Cytogenetic location: 1q22.
Variant type: single nucleotide variant.
Coding change: c.1049T>C on transcript NM_000298.6 (MANE Select); coding-DNA position 1049, T replaced by C.
Protein change: p.Phe350Ser; replaces phenylalanine 350 with serine.
Molecular consequence: missense variant.
Genome position (GRCh38, 1-based): chr1:155,294,302, A>G on the plus strand (T>C on the coding strand, the complement: PKLR is on the minus strand). VCF-style: chr1-155294302-A-G. GRCh37 (hg19) VCF-style: chr1-155264093-A-G.
Other names: p.Phe350Ser; c.956T>C, p.Phe319Ser (NM_181871.4); short protein forms F319S, F350S.
Identifiers: ClinVar variation 993926 (VCV000993926.11), dbSNP rs755934816, ClinGen allele CA342753416.
Genomic context (GRCh38, chr1:155,294,302, plus strand): 5'-GCACAGACAACAGGCTTGCCCGCCAAGTTGCAGCGCCCAATCATCATCTTCTGAGCCAGG[A>G]AAACCTTCTCTGCTGGGATCTCGATGCCTAGGTCCCCCCGTGCCACCATGATGCCGTCGC-3'
Protein context (NP_000289.1, residues 340-360): LGIEIPAEKV[Phe350Ser]LAQKMMIGRC

ClinVar aggregate classification (germline): Conflicting classifications of pathogenicity. Review status: criteria provided, conflicting classifications (1 of 4 stars). 3 submissions from 3 submitters: Likely pathogenic (1); Uncertain significance (2). Last evaluated 2025-11-10.

Allele frequency attached by ClinVar (database versions not stated): TOPMed below 0.00001.
gnomAD v4.1: 1 of 1,614,108 alleles (0.000062%); no homozygotes.

Submissions (3):

Labcorp Genetics (formerly Invitae), Labcorp
Classification: Likely pathogenic. Last evaluated: 2025-11-10. Review status: criteria provided, single submitter. Criteria: Invitae Variant Classification Sherloc (09022015). Collection method: clinical testing. Allele origin: germline.
Comment: This sequence change replaces phenylalanine, which is neutral and non-polar, with serine, which is neutral and polar, at codon 350 of the PKLR protein (p.Phe350Ser). This variant is not present in population databases (gnomAD no frequency). This missense change has been observed in individual(s) with clinical features of PKLR-related conditions (internal data). In at least one individual the data is consistent with being in trans (on the opposite chromosome) from a pathogenic variant. ClinVar contains an entry for this variant (Variation ID: 993926). Invitae Evidence Modeling of protein sequence and biophysical properties (such as structural, functional, and spatial information, amino acid conservation, physicochemical variation, residue mobility, and thermodynamic stability) has been performed for this missense variant. However, the output from this modeling did not meet the statistical confidence thresholds required to predict the impact of this variant on PKLR protein function. In summary, the currently available evidence indicates that the variant is pathogenic, but additional data are needed to prove that conclusively. Therefore, this variant has been classified as Likely Pathogenic.

Mayo Clinic Laboratories, Mayo Clinic
Classification: Uncertain significance. Last evaluated: 2025-05-20. Review status: criteria provided, single submitter. Criteria: ACMG Guidelines, 2015. Collection method: clinical testing. Allele origin: germline. Observed: 1 variant allele.
Comment: PP3_strong, PM1, PM2_supporting

ARUP Laboratories, Molecular Genetics and Genomics, ARUP Laboratories
Classification: Uncertain significance. Last evaluated: 2020-08-04. Review status: criteria provided, single submitter. Criteria: ARUP Molecular Germline Variant Investigation Process. Collection method: clinical testing. Allele origin: germline.